The following is an entry in ClinVar:

ClinVar aggregate classification (germline): Uncertain significance/VUS-high. Review status: criteria provided, multiple submitters, no conflicts (2 of 4 stars). 3 submissions from 3 submitters: Uncertain significance (1); VUS-high (1). 1 of the submissions does not count toward it. Last evaluated 2026-02-06.

Conditions:
Autosomal recessive titinopathy. Identifiers: MedGen CN315649, MONDO:0100493.
Autosomal recessive limb-girdle muscular dystrophy type 2J (LGMDR10). Also called: Limb-girdle muscular dystrophy, type 2J; MUSCULAR DYSTROPHY, LIMB-GIRDLE, AUTOSOMAL RECESSIVE 10. Identifiers: Orphanet 140922, MedGen C1837342, MONDO:0012127, OMIM 608807.

Allele frequency attached by ClinVar (database versions not stated): gnomAD exomes below 0.00001; ExAC 0.00001.

Submissions (3):

Myofin, Folkhalsan Research Center
Classification: VUS-high for Autosomal recessive titinopathy. Last evaluated: 2026-02-06. Review status: criteria provided, single submitter. Criteria: ACMG Guidelines, 2015. Collection method: research. Allele origin: germline. Affected: yes.
Comment: The variant is rare in population databases (not found in gnomAD; no homozygotes reported) and has a high deleterious computational prediction (AlphaMissense 0.9980). Given limited case-level evidence and lack of robust variant-level functional/replication data, we classify this variant as Uncertain significance (VUS-high) for recessive titinopathy.

Athena Diagnostics
Classification: Uncertain significance. Last evaluated: 2018-04-18. Review status: criteria provided, single submitter. Criteria: Athena Diagnostics Criteria. Collection method: clinical testing. Allele origin: germline.

Center of Excellence for Medical Genomics, Chulalongkorn University
Classification: Uncertain significance for Autosomal recessive limb-girdle muscular dystrophy type 2J. Last evaluated: 2022-09-08. Review status: no assertion criteria provided. Criteria: ACMG Guidelines, 2015. Collection method: research. Allele origin: maternal. Affected: yes. Not counted in ClinVar's aggregate classification.

Literature cited by the submitters: DOI 10.1101/2025.07.17.25331131 (cited by Myofin, Folkhalsan Research Center).

NM_001267550.2(TTN):c.53348T>C (p.Leu17783Pro)

Genes: TTN-AS1 (TTN antisense RNA 1; plus strand), TTN (titin; minus strand), LOC126806425 (BRD4-independent group 4 enhancer GRCh37_chr2:179471933-179473132; plus strand). Cytogenetic location: 2q31.2.
Variant type: single nucleotide variant.
Coding change: c.53348T>C on transcript NM_001267550.2 (MANE Select); coding-DNA position 53348, T replaced by C.
Protein change: p.Leu17783Pro; replaces leucine 17783 with proline.
Molecular consequence: missense variant.
Genome position (GRCh38, 1-based): chr2:178,607,254, A>G on the plus strand (T>C on the coding strand, the complement: TTN is on the minus strand). VCF-style: chr2-178607254-A-G. GRCh37 (hg19) VCF-style: chr2-179471981-A-G.
Other names: c.53348T>C (LRG_391t1); c.48425T>C, p.Leu16142Pro (NM_001256850.1); c.26153T>C, p.Leu8718Pro (NM_003319.4); c.45644T>C, p.Leu15215Pro (NM_133378.4); c.26528T>C, p.Leu8843Pro (NM_133432.3); c.26729T>C, p.Leu8910Pro (NM_133437.4); short protein forms L17783P, L8910P, L15215P, L8718P, L16142P, L8843P.
Identifiers: ClinVar variation 586890 (VCV000586890.12), dbSNP rs777712545, ClinGen allele CA1993815.
Genomic context (GRCh38, chr2:178,607,254, plus strand): 5'-CTTTCAATGATAAAGCCTGTTATTTCACTTCCTCCATCATCTTCTGGATCAGACCAGTTA[A>G]GTAGACACATTTTTCTGTTTGTTACAACAGGTTTTAAGTCAAGAACTGGACCAGGGACAT-3'
Protein context (NP_001254479.2, residues 17773-17793): PVVTNRKMCL[Leu17783Pro]NWSDPEDDGG